The following is an entry in ClinVar:

ClinVar aggregate classification (germline): Conflicting classifications of pathogenicity. Review status: criteria provided, conflicting classifications (1 of 4 stars). 3 submissions from 3 submitters: Uncertain significance (1); Likely benign (1). 1 of the submissions does not count toward it. Last evaluated 2023-03-23.

Conditions:
Hereditary cancer-predisposing syndrome. Also called: Tumor predisposition; Hereditary neoplastic syndrome; Hereditary Cancer Syndrome; Neoplastic Syndromes, Hereditary. Identifiers: Orphanet 140162, MedGen C0027672, MeSH D009386, MONDO:0015356.
Hereditary breast ovarian cancer syndrome. Also called: Hereditary breast and ovarian cancer syndrome; Hereditary breast and ovarian cancer; Hereditary breast and ovarian cancer syndrome (HBOC); BRCA1- and BRCA2-Associated Hereditary Breast and Ovarian Cancer; Hereditary breast and/or ovarian cancer syndrome; Breast and ovarian cancer. Identifiers: Orphanet 145, MedGen C0677776, MeSH D061325, MONDO:0003582. Disease mechanism: loss of function.

Allele frequency attached by ClinVar (database versions not stated): gnomAD exomes below 0.00001.
gnomAD v4.1: 1 of 1,614,026 alleles (0.000062%); highest among the groups gnomAD compares: Non-Finnish European, 0.000085%; no homozygotes.

Submissions (3):

University of Washington Department of Laboratory Medicine, University of Washington
Classification: Likely benign for Hereditary cancer-predisposing syndrome. Last evaluated: 2023-03-23. Review status: criteria provided, single submitter. Criteria: Dines et al. (Genet Med. 2020). Collection method: curation. Allele origin: germline.
Comment: Missense variant in a coldspot region where missense variants are very unlikely to be pathogenic (PMID:31911673).

BRCA1 coldspot (exon 11 using historical exon numbering). Reclassification based on statistical prior probability

Labcorp Genetics (formerly Invitae), Labcorp
Classification: Uncertain significance for Hereditary breast ovarian cancer syndrome. Last evaluated: 2021-05-17. Review status: criteria provided, single submitter. Criteria: Invitae Variant Classification Sherloc (09022015). Collection method: clinical testing. Allele origin: germline.
Comment: This variant has not been reported in the literature in individuals with BRCA1-related conditions. ClinVar contains an entry for this variant (Variation ID: 1049110). This variant is not present in population databases (ExAC no frequency). This sequence change replaces isoleucine with valine at codon 1026 of the BRCA1 protein (p.Ile1026Val). The isoleucine residue is moderately conserved and there is a small physicochemical difference between isoleucine and valine. In summary, the available evidence is currently insufficient to determine the role of this variant in disease. Therefore, it has been classified as a Variant of Uncertain Significance. Advanced modeling of protein sequence and biophysical properties (such as structural, functional, and spatial information, amino acid conservation, physicochemical variation, residue mobility, and thermodynamic stability) performed at Invitae indicates that this missense variant is not expected to disrupt BRCA1 protein function.

Department of Pathology and Laboratory Medicine, Sinai Health System
Classification: Uncertain significance. Review status: no assertion criteria provided. Collection method: clinical testing. Allele origin: unknown. Affected: yes. Study: The Canadian Open Genetics Repository (COGR). Not counted in ClinVar's aggregate classification.
Comment: The BRCA1 p.Ile1026Val variant was not identified in the literature nor was it identified in the dbSNP, ClinVar, LOVD 3.0 or in the UMD-LSDB databases. It was identified in control databases in 1 of 251144 chromosomes at a frequency of 0.000004 (Genome Aggregation Database Feb 27, 2017). The variant was observed in the following populations: European in 1 of 113512 chromosomes (freq: 0.000009), while the variant was not observed in the African, Latino, Ashkenazi Jewish, East Asian, Finnish, Other, and South Asian populations. The p.Ile1026 residue is not conserved in mammals and computational analyses (PolyPhen-2, SIFT, AlignGVGD, BLOSUM, MutationTaster) do not suggest a high likelihood of impact to the protein; however, this information is not predictive enough to rule out pathogenicity. The variant occurs outside of the splicing consensus sequence and in silico or computational prediction software programs (SpliceSiteFinder, MaxEntScan, NNSPLICE, GeneSplicer) do not predict a difference in splicing. In summary, based on the above information the clinical significance of this variant cannot be determined with certainty at this time. This variant is classified as a variant of uncertain significance.

NM_007294.4(BRCA1):c.3076A>G (p.Ile1026Val)

Gene: BRCA1 (BRCA1 DNA repair associated; minus strand). Cytogenetic location: 17q21.31.
Variant type: single nucleotide variant.
Coding change: c.3076A>G on transcript NM_007294.4 (MANE Select); coding-DNA position 3076, A replaced by G.
Protein change: p.Ile1026Val; replaces isoleucine 1026 with valine.
Molecular consequence: missense variant. On other transcripts: intron variant (137).
Genome position (GRCh38, 1-based): chr17:43,092,455, T>C on the plus strand (A>G on the coding strand, the complement: BRCA1 is on the minus strand). VCF-style: chr17-43092455-T-C. GRCh37 (hg19) VCF-style: chr17-41244472-T-C.
Other names: c.2866A>G, p.Ile956Val (NM_001407881.1, NM_001407882.1, NM_001407884.1 and 13 more transcripts); c.2863A>G, p.Ile955Val (NM_001407895.1, NM_001407896.1, NM_001407897.1 and 9 more transcripts); c.3076A>G, p.Ile1026Val (NM_001407581.1, NM_001407582.1, NM_001407583.1 and 30 more transcripts); c.3073A>G, p.Ile1025Val (NM_001407587.1, NM_001407590.1, NM_001407591.1 and 22 more transcripts); c.3067A>G, p.Ile1023Val (NM_001407646.1, NM_001407647.1); c.2953A>G, p.Ile985Val (NM_001407648.1, NM_001407664.1, NM_001407665.1 and 19 more transcripts); c.2950A>G, p.Ile984Val (NM_001407649.1, NM_001407670.1, NM_001407671.1 and 11 more transcripts); c.2998A>G, p.Ile1000Val (NM_001407653.1, NM_001407654.1, NM_001407655.1 and 4 more transcripts); and 41 more; short protein forms I1026V, I979V, I1025V, I915V, I937V, I984V, I730V, I955V.
Identifiers: ClinVar variation 1049110 (VCV001049110.12), dbSNP rs1468925322, ClinGen allele CA10595838.
Genomic context (GRCh38, chr17:43,092,455, plus strand): 5'-CATTAATATTGCTTGAGCTGGCTTCTTTAAAAACATTTTCTCTAATGTTATTACGGCTAA[T>C]TGTGCTCACTGTACTTGGAATGTTCTCATTTCCCATTTCTCTTTCAGGTGACATTGAATG-3'
Protein context (NP_009225.1, residues 1016-1036): NENIPSTVST[Ile1026Val]SRNNIRENVF